The following is an entry in ClinVar:

NM_000171.4(GLRA1):c.913-1G>A

Gene: GLRA1 (glycine receptor alpha 1; minus strand). Cytogenetic location: 5q33.1.
Variant type: single nucleotide variant.
Coding change: c.913-1G>A on transcript NM_000171.4 (MANE Select); the canonical splice acceptor site of the intron before coding-DNA position 913, G replaced by A.
Molecular consequence: splice acceptor variant.
Genome position (GRCh38, 1-based): chr5:151,829,068, C>T on the plus strand (G>A on the coding strand, the complement: GLRA1 is on the minus strand). VCF-style: chr5-151829068-C-T. GRCh37 (hg19) VCF-style: chr5-151208629-C-T.
Other names: c.664-1G>A (NM_001292000.2); c.913-1G>A (NM_001146040.2).
Identifiers: ClinVar variation 2500615 (VCV002500615.3), dbSNP rs1763352666, ClinGen allele CA361851990.

ClinVar aggregate classification (germline): Likely pathogenic. Review status: criteria provided, multiple submitters, no conflicts (2 of 4 stars). 2 submissions from 2 submitters: Likely pathogenic (2). Last evaluated 2023-07-10.

Conditions:
Hereditary hyperekplexia. Identifiers: Orphanet 3197, MedGen C4084968, MONDO:0021022.

gnomAD v4.1: 3 of 1,613,748 alleles (0.00019%); highest among the groups gnomAD compares: African/African-American, 0.004%; no homozygotes.

Submissions (2):

Labcorp Genetics (formerly Invitae), Labcorp
Classification: Likely pathogenic for Hereditary hyperekplexia. Last evaluated: 2023-07-10. Review status: criteria provided, single submitter. Criteria: Invitae Variant Classification Sherloc (09022015). Collection method: clinical testing. Allele origin: germline.
Comment: In summary, the currently available evidence indicates that the variant is pathogenic, but additional data are needed to prove that conclusively. Therefore, this variant has been classified as Likely Pathogenic. Algorithms developed to predict the effect of sequence changes on RNA splicing suggest that this variant may disrupt the consensus splice site. ClinVar contains an entry for this variant (Variation ID: 2500615). This variant has not been reported in the literature in individuals affected with GLRA1-related conditions. This variant is not present in population databases (gnomAD no frequency). This sequence change affects an acceptor splice site in intron 7 of the GLRA1 gene. It is expected to disrupt RNA splicing. Variants that disrupt the donor or acceptor splice site typically lead to a loss of protein function (PMID: 16199547), and loss-of-function variants in GLRA1 are known to be pathogenic (PMID: 20631190, 24108130).

GeneDx
Classification: Likely pathogenic. Last evaluated: 2023-04-25. Review status: criteria provided, single submitter. Criteria: GeneDx Variant Classification Process June 2021. Collection method: clinical testing. Allele origin: germline. Affected: yes.
Comment: Previously observed in a patient with neonatal arthrogryposis and developmental delay (Escobar et al., 2022); Canonical splice site variant expected to result in aberrant splicing, although in the absence of functional evidence the actual effect of this sequence change is unknown.; Not observed at significant frequency in large population cohorts (gnomAD); This variant is associated with the following publications: (PMID: Escobar2022(case report))

Literature cited by the submitters: PubMed 16199547 (cited by Labcorp Genetics (formerly Invitae), Labcorp); PubMed 20631190 (cited by Labcorp Genetics (formerly Invitae), Labcorp); PubMed 24108130 (cited by Labcorp Genetics (formerly Invitae), Labcorp).